The following is an entry in ClinVar:

NM_138927.4(SON):c.6358G>C (p.Asp2120His)

Gene: SON (SON DNA and RNA binding protein; plus strand). Cytogenetic location: 21q22.11.
Variant type: single nucleotide variant.
Coding change: c.6358G>C on transcript NM_138927.4 (MANE Select); coding-DNA position 6358, G replaced by C.
Protein change: p.Asp2120His; replaces aspartic acid 2120 with histidine.
Molecular consequence: missense variant. On other transcripts: non-coding transcript variant (1).
Genome position (GRCh38, 1-based): chr21:33,559,266, G>C. VCF-style: chr21-33559266-G-C. GRCh37 (hg19) VCF-style: chr21-34931572-G-C.
Other names: c.442G>C, p.Asp148His (NM_001291412.3, NM_001412132.1); c.6358G>C, p.Asp2120His (NM_001412133.1, NM_032195.3, NM_138926.1); c.*154G>C (NM_058183.2); short protein forms D148H, D2120H.
Identifiers: ClinVar variation 2707649 (VCV002707649.3), dbSNP rs2517410211, ClinGen allele CA410118364.

ClinVar aggregate classification (germline): Uncertain significance (1 of 4 stars; one submission).

Submission:

Labcorp Genetics (formerly Invitae), Labcorp
Classification: Uncertain significance. Last evaluated: 2024-01-12. Review status: criteria provided, single submitter. Criteria: Invitae Variant Classification Sherloc (09022015). Collection method: clinical testing. Allele origin: germline.
Comment: This sequence change replaces aspartic acid, which is acidic and polar, with histidine, which is basic and polar, at codon 2120 of the SON protein (p.Asp2120His). This variant is not present in population databases (gnomAD no frequency). This variant has not been reported in the literature in individuals affected with SON-related conditions. Experimental studies and prediction algorithms are not available or were not evaluated, and the functional significance of this variant is currently unknown. In summary, the available evidence is currently insufficient to determine the role of this variant in disease. Therefore, it has been classified as a Variant of Uncertain Significance.